The following is an entry in ClinVar:

NM_000543.5(SMPD1):c.1548T>G (p.His516Gln)

Gene: SMPD1 (sphingomyelin phosphodiesterase 1; plus strand). Cytogenetic location: 11p15.4.
Variant type: single nucleotide variant.
Coding change: c.1548T>G on transcript NM_000543.5 (MANE Select); coding-DNA position 1548, T replaced by G.
Protein change: p.His516Gln; replaces histidine 516 with glutamine.
Molecular consequence: missense variant. On other transcripts: non-coding transcript variant (2), 3 prime UTR variant (1).
Genome position (GRCh38, 1-based): chr11:6,394,259, T>G. VCF-style: chr11-6394259-T-G. GRCh37 (hg19) VCF-style: chr11-6415489-T-G.
Other names: c.1545T>G, p.His515Gln (NM_001007593.3); c.*41T>G (NM_001318087.2); c.627T>G, p.His209Gln (NM_001318088.2); c.1416T>G, p.His472Gln (NM_001365135.2); short protein forms H209Q, H472Q, H515Q, H516Q.
Identifiers: ClinVar variation 1526231 (VCV001526231.5), dbSNP rs1590747902, ClinGen allele CA379376151.

ClinVar aggregate classification (germline): Conflicting classifications of pathogenicity. Review status: criteria provided, conflicting classifications (1 of 4 stars). 2 submissions from 2 submitters: Likely pathogenic (1); Uncertain significance (1). Last evaluated 2024-02-26.

Conditions:
Niemann-Pick disease, type B. Also called: Chronic Visceral ASMD (Niemann-Pick Disease Type B; NPD-B). Identifiers: Orphanet 77293, MedGen C0268243, MONDO:0011871, OMIM 607616. Disease mechanism: loss of function.
Niemann-Pick disease, type A. Also called: SPHINGOMYELIN LIPIDOSIS; SPHINGOMYELINASE DEFICIENCY; Infantile Neurovisceral ASMD (Niemann-Pick Disease Type A; NPD-A). Identifiers: Orphanet 77292, MedGen C0268242, MONDO:0009756, OMIM 257200. Disease mechanism: loss of function.

Submissions (2):

3billion
Classification: Likely pathogenic for Niemann-Pick disease, type A; Niemann-Pick disease, type B. Last evaluated: 2024-02-26. Review status: criteria provided, single submitter. Criteria: ACMG Guidelines, 2015. Collection method: clinical testing. Allele origin: germline. Affected: yes.
Comment: The variant is not observed in the gnomAD v2.1.1 dataset. Predicted Consequence/Location: Missense variant In silico tool predictions suggest damaging effect of the variant on gene or gene product [REVEL: 0.63 (>=0.6, sensitivity 0.68 and specificity 0.92)]. Same nucleotide change resulting in same amino acid change has been previously reported to be associated with SMPD1 related disorder (PMID: 12369017).Different missense changes at the same codon (p.His516Arg, p.His516Leu, p.His516Tyr) have been reported as pathogenic/likely pathogenic with strong evidence (ClinVar ID: VCV000663763, VCV002056200, VCV002183560). Therefore, this variant is classified as Likely pathogenic according to the recommendation of ACMG/AMP guideline.

Labcorp Genetics (formerly Invitae), Labcorp
Classification: Uncertain significance for Niemann-Pick disease, type B; Niemann-Pick disease, type A. Last evaluated: 2023-11-28. Review status: criteria provided, single submitter. Criteria: Invitae Variant Classification Sherloc (09022015). Collection method: clinical testing. Allele origin: germline.
Comment: This sequence change replaces histidine, which is basic and polar, with glutamine, which is neutral and polar, at codon 516 of the SMPD1 protein (p.His516Gln). This variant is not present in population databases (gnomAD no frequency). This missense change has been observed in individual(s) with clinical features of Niemann-Pick disease (PMID: 12369017). This variant is also known as H514Q. ClinVar contains an entry for this variant (Variation ID: 1526231). Advanced modeling of protein sequence and biophysical properties (such as structural, functional, and spatial information, amino acid conservation, physicochemical variation, residue mobility, and thermodynamic stability) has been performed at Invitae for this missense variant, however the output from this modeling did not meet the statistical confidence thresholds required to predict the impact of this variant on SMPD1 protein function. This variant disrupts the p.His516 amino acid residue in SMPD1. Other variant(s) that disrupt this residue have been determined to be pathogenic (PMID: 31122880, 33675270). This suggests that this residue is clinically significant, and that variants that disrupt this residue are likely to be disease-causing. In summary, the available evidence is currently insufficient to determine the role of this variant in disease. Therefore, it has been classified as a Variant of Uncertain Significance.

Literature cited by the submitters: PubMed 12369017 (cited by 3billion and Labcorp Genetics (formerly Invitae), Labcorp); PubMed 31122880 (cited by Labcorp Genetics (formerly Invitae), Labcorp); PubMed 33675270 (cited by Labcorp Genetics (formerly Invitae), Labcorp).